The following is an entry in ClinVar:

NM_001349338.3(FOXP1):c.1291_1292del (p.Thr431fs)

Gene: FOXP1 (forkhead box P1; minus strand). Cytogenetic location: 3p13.
Variant type: Microsatellite.
Coding change: c.1291_1292del on transcript NM_001349338.3 (MANE Select); coding-DNA positions 1291 to 1292, 2 bases deleted (AC; older notation c.1291_1292delAC).
Protein change: p.Thr431fs; shifts the reading frame from threonine 431.
Molecular consequence: frameshift variant. On other transcripts: non-coding transcript variant (2).
Genome position (GRCh38, 1-based): chr3:70,977,884-70,977,885, GT deleted on the plus strand (AC on the coding strand, the reverse complement: FOXP1 is on the minus strand); deleting any 2 consecutive bases within chr3:70,977,884-70,977,888 gives the same sequence; the c. name uses the placement nearest the transcript's 3' end. VCF-style (leftmost placement, unchanged base first): chr3-70977883-CGT-C. GRCh37 (hg19) VCF-style: chr3-71027034-CGT-C.
Other names: c.1291_1292del (NM_032682.5); c.1291_1292del, p.Thr431fs (NM_001244808.3, NM_001244810.2, NM_001244814.3 and 3 more transcripts); c.1063_1064del, p.Thr355fs (NM_001244812.3); c.991_992del, p.Thr331fs (NM_001244813.3, NM_001244815.2, NM_001349342.3 and 1 more transcripts); c.988_989del, p.Thr330fs (NM_001349337.2, NM_001349343.3, NM_001349344.3); c.1288_1289del, p.Thr430fs (NM_001349341.3); short protein forms T331fs, T430fs, T330fs, T355fs, T431fs.
Identifiers: ClinVar variation 561013 (VCV000561013.2), dbSNP rs1559620376, ClinGen allele CA658821559.

ClinVar aggregate classification (germline): Pathogenic (1 of 4 stars; one submission).

Conditions:
Intellectual disability-severe speech delay-mild dysmorphism syndrome (IDDLA). Also called: Mental retardation with language impairment and autistic features; FOXP1 Syndrome; Intellectual developmental disorder with language impairment AND with or without autistic features. Identifiers: Orphanet 391372, MedGen C4013764, MONDO:0013352, OMIM 613670.

Submission:

Baylor Genetics
Classification: Pathogenic for Intellectual disability-severe speech delay-mild dysmorphism syndrome. Last evaluated: 2017-09-01. Review status: criteria provided, single submitter. Criteria: ACMG Guidelines, 2015. Collection method: clinical testing. Allele origin: de novo. Inheritance: Autosomal dominant inheritance. Affected: yes.
Comment: This frameshift mutation is categorized as deleterious according to ACMG guidelines (PMID:18414213).

Literature cited by the submitters: PubMed 25326635.